The following is an entry in ClinVar:

NM_001206927.2(DNAH8):c.9811G>T (p.Ala3271Ser)

Genes: DNAH8 (dynein axonemal heavy chain 8; plus strand), DNAH8-AS1 (DNAH8 antisense RNA 1; minus strand). Cytogenetic location: 6p21.2.
Variant type: single nucleotide variant.
Coding change: c.9811G>T on transcript NM_001206927.2 (MANE Select); coding-DNA position 9811, G replaced by T.
Protein change: p.Ala3271Ser; replaces alanine 3271 with serine.
Molecular consequence: missense variant.
Genome position (GRCh38, 1-based): chr6:38,911,538, G>T. VCF-style: chr6-38911538-G-T. GRCh37 (hg19) VCF-style: chr6-38879314-G-T.
Other names: c.9160G>T, p.Ala3054Ser (NM_001371.4); short protein forms A3054S, A3271S.
Identifiers: ClinVar variation 955481 (VCV000955481.5), dbSNP rs137889757, ClinGen allele CA3790571.

ClinVar aggregate classification (germline): Uncertain significance (1 of 4 stars; one submission).

Conditions:
Primary ciliary dyskinesia. Also called: Ciliary dyskinesia. Identifiers: Orphanet 244, MedGen C0008780, MONDO:0016575, HP:0012265.

Allele frequency attached by ClinVar (database versions not stated): gnomAD exomes 0.00002 and 0.00006; ExAC 0.00006; gnomAD 0.00015 and 0.00017; TOPMed 0.00027; ESP Exome Variant Server 0.00031; 1000 Genomes Project 0.00040; 1000 Genomes Project 30x 0.00047.
gnomAD v4.1: 55 of 1,613,694 alleles (0.0034%); highest among the groups gnomAD compares: African/African-American, 0.053%; no homozygotes.

Submission:

Labcorp Genetics (formerly Invitae), Labcorp
Classification: Uncertain significance for Primary ciliary dyskinesia. Last evaluated: 2022-09-06. Review status: criteria provided, single submitter. Criteria: Invitae Variant Classification Sherloc (09022015). Collection method: clinical testing. Allele origin: germline.
Comment: This sequence change replaces alanine, which is neutral and non-polar, with serine, which is neutral and polar, at codon 3271 of the DNAH8 protein (p.Ala3271Ser). This variant is present in population databases (rs137889757, gnomAD 0.05%). This variant has not been reported in the literature in individuals affected with DNAH8-related conditions. ClinVar contains an entry for this variant (Variation ID: 955481). Algorithms developed to predict the effect of missense changes on protein structure and function are either unavailable or do not agree on the potential impact of this missense change (SIFT: "Tolerated"; PolyPhen-2: "Not Available"; Align-GVGD: "Class C0"). In summary, the available evidence is currently insufficient to determine the role of this variant in disease. Therefore, it has been classified as a Variant of Uncertain Significance.